The following is an entry in ClinVar:

NM_001291867.2(NHS):c.4780G>A (p.Ala1594Thr)

Gene: NHS (NHS actin remodeling regulator; plus strand). Cytogenetic location: Xp22.13.
Variant type: single nucleotide variant.
Coding change: c.4780G>A on transcript NM_001291867.2 (MANE Select); coding-DNA position 4780, G replaced by A.
Protein change: p.Ala1594Thr; replaces alanine 1594 with threonine.
Molecular consequence: missense variant.
Genome position (GRCh38, 1-based): chrX:17,732,288, G>A. VCF-style: chrX-17732288-G-A. GRCh37 (hg19) VCF-style: chrX-17750408-G-A.
Other names: c.4249G>A, p.Ala1417Thr (NM_001136024.4); c.4186G>A, p.Ala1396Thr (NM_001291868.2); c.4717G>A, p.Ala1573Thr (NM_198270.4); short protein forms A1594T, A1573T, A1417T, A1396T.
Identifiers: ClinVar variation 2165067 (VCV002165067.4), dbSNP rs1452510833, ClinGen allele CA412371364.

ClinVar aggregate classification (germline): Uncertain significance (1 of 4 stars; one submission).

Conditions:
Nance-Horan syndrome (NHS). Identifiers: Orphanet 627, MedGen C0796085, MONDO:0010545, OMIM 302350.

Allele frequency attached by ClinVar (database versions not stated): TOPMed below 0.00001; gnomAD exomes 0.00001.
gnomAD v4.1: 8 of 1,212,233 alleles (0.00066%); highest among the groups gnomAD compares: Non-Finnish European, 0.00089%; no homozygotes.

Submission:

Labcorp Genetics (formerly Invitae), Labcorp
Classification: Uncertain significance for Nance-Horan syndrome. Last evaluated: 2022-06-14. Review status: criteria provided, single submitter. Criteria: Invitae Variant Classification Sherloc (09022015). Collection method: clinical testing. Allele origin: germline.
Comment: This sequence change replaces alanine, which is neutral and non-polar, with threonine, which is neutral and polar, at codon 1573 of the NHS protein (p.Ala1573Thr). This variant is present in population databases (no rsID available, gnomAD 0.002%), including at least one homozygous and/or hemizygous individual. This variant has not been reported in the literature in individuals affected with NHS-related conditions. Algorithms developed to predict the effect of missense changes on protein structure and function output the following: SIFT: "Tolerated"; PolyPhen-2: "Benign"; Align-GVGD: "Class C0". The threonine amino acid residue is found in multiple mammalian species, which suggests that this missense change does not adversely affect protein function. In summary, the available evidence is currently insufficient to determine the role of this variant in disease. Therefore, it has been classified as a Variant of Uncertain Significance.